The following is an entry in ClinVar:

NM_001105206.3(LAMA4):c.5007G>C (p.Lys1669Asn)

Gene: LAMA4 (laminin subunit alpha 4; minus strand). Cytogenetic location: 6q21.
Variant type: single nucleotide variant.
Coding change: c.5007G>C on transcript NM_001105206.3 (MANE Select); coding-DNA position 5007, G replaced by C.
Protein change: p.Lys1669Asn; replaces lysine 1669 with asparagine.
Molecular consequence: missense variant.
Genome position (GRCh38, 1-based): chr6:112,115,968, C>G on the plus strand (G>C on the coding strand, the complement: LAMA4 is on the minus strand). VCF-style: chr6-112115968-C-G. GRCh37 (hg19) VCF-style: chr6-112437171-C-G.
Other names: c.4986G>C, p.Lys1662Asn (NM_001105207.3, NM_002290.5); short protein forms K1662N, K1669N.
Identifiers: ClinVar variation 1744548 (VCV001744548.2), dbSNP rs1777994078, ClinGen allele CA365365339.

ClinVar aggregate classification (germline): Uncertain significance (1 of 4 stars; one submission).

Conditions:
Cardiovascular phenotype. Identifiers: MedGen CN230736.

gnomAD v4.1: 1 of 1,613,260 alleles (0.000062%); highest among the groups gnomAD compares: Non-Finnish European, 0.000085%; no homozygotes.

Submission:

Ambry Genetics
Classification: Uncertain significance for Cardiovascular phenotype. Last evaluated: 2019-01-14. Review status: criteria provided, single submitter. Criteria: Ambry Variant Classification Scheme 2023. Collection method: clinical testing. Allele origin: germline.
Comment: The p.K1662N variant (also known as c.4986G>C), located in coding exon 35 of the LAMA4 gene, results from a G to C substitution at nucleotide position 4986. The lysine at codon 1662 is replaced by asparagine, an amino acid with similar properties. This amino acid position is well conserved in available vertebrate species. In addition, this alteration is predicted to be tolerated by in silico analysis. Since supporting evidence is limited at this time, the clinical significance of this alteration remains unclear.